The following is an entry in ClinVar:

ClinVar aggregate classification (germline): Uncertain significance. Review status: criteria provided, multiple submitters, no conflicts (2 of 4 stars). 3 submissions from 3 submitters: Uncertain significance (3). Last evaluated 2025-06-13.

Conditions:
Hereditary cancer-predisposing syndrome. Also called: Neoplastic Syndromes, Hereditary; Tumor predisposition; Hereditary Cancer Syndrome; Hereditary neoplastic syndrome. Identifiers: Orphanet 140162, MedGen C0027672, MeSH D009386, MONDO:0015356.
Oligodontia-cancer predisposition syndrome. Also called: TOOTH AGENESIS-COLORECTAL CANCER SYNDROME. Identifiers: Orphanet 300576, MedGen C1837750, MONDO:0012075, OMIM 608615. Disease mechanism: loss of function.

Allele frequency attached by ClinVar (database versions not stated): ExAC 0.00001; gnomAD exomes 0.00001; TOPMed 0.00001.
gnomAD v4.1: 3 of 1,614,248 alleles (0.00019%); highest among the groups gnomAD compares: Admixed American, 0.005%; no homozygotes.

Submissions (3):

Quest Diagnostics Nichols Institute San Juan Capistrano
Classification: Uncertain significance. Last evaluated: 2025-06-13. Review status: criteria provided, single submitter. Criteria: Quest Diagnostics criteria. Collection method: clinical testing. Allele origin: unknown.
Comment: The AXIN2 c.2258T>G (p.Leu753Arg) variant has not been reported in individuals with AXIN2-related conditions in the published literature. The frequency of this variant in the general population (Genome Aggregation Database) is uninformative in the assessment of its pathogenicity. Analysis of this variant using a bioinformatics tool for the prediction of the effect of amino acid changes on protein structure and function yielded a prediction that this variant is benign. Based on the available information, we are unable to determine the clinical significance of this variant.

Ambry Genetics
Classification: Uncertain significance for Hereditary cancer-predisposing syndrome. Last evaluated: 2024-04-19. Review status: criteria provided, single submitter. Criteria: Ambry Variant Classification Scheme 2023. Collection method: clinical testing. Allele origin: germline.
Comment: The p.L753R variant (also known as c.2258T>G), located in coding exon 9 of the AXIN2 gene, results from a T to G substitution at nucleotide position 2258. The leucine at codon 753 is replaced by arginine, an amino acid with dissimilar properties. This amino acid position is conserved. In addition, this alteration is predicted to be tolerated by in silico analysis. Based on the available evidence, the clinical significance of this variant remains unclear.

Labcorp Genetics (formerly Invitae), Labcorp
Classification: Uncertain significance for Oligodontia-cancer predisposition syndrome. Last evaluated: 2021-11-02. Review status: criteria provided, single submitter. Criteria: Invitae Variant Classification Sherloc (09022015). Collection method: clinical testing. Allele origin: germline.
Comment: In summary, the available evidence is currently insufficient to determine the role of this variant in disease. Therefore, it has been classified as a Variant of Uncertain Significance. Algorithms developed to predict the effect of missense changes on protein structure and function (SIFT, PolyPhen-2, Align-GVGD) all suggest that this variant is likely to be tolerated. ClinVar contains an entry for this variant (Variation ID: 464602). This variant has not been reported in the literature in individuals affected with AXIN2-related conditions. This variant is present in population databases (rs768352721, gnomAD 0.006%). This sequence change replaces leucine, which is neutral and non-polar, with arginine, which is basic and polar, at codon 753 of the AXIN2 protein (p.Leu753Arg).

NM_004655.4(AXIN2):c.2258T>G (p.Leu753Arg)

Gene: AXIN2 (axin 2; minus strand). Cytogenetic location: 17q24.1.
Variant type: single nucleotide variant.
Coding change: c.2258T>G on transcript NM_004655.4 (MANE Select); coding-DNA position 2258, T replaced by G.
Protein change: p.Leu753Arg; replaces leucine 753 with arginine.
Molecular consequence: missense variant.
Genome position (GRCh38, 1-based): chr17:65,534,059, A>C on the plus strand (T>G on the coding strand, the complement: AXIN2 is on the minus strand). VCF-style: chr17-65534059-A-C. GRCh37 (hg19) VCF-style: chr17-63530177-A-C.
Other names: c.2258T>G (LRG_296t1); c.2063T>G, p.Leu688Arg (NM_001363813.1); short protein forms L753R, L688R.
Identifiers: ClinVar variation 464602 (VCV000464602.8), dbSNP rs768352721, ClinGen allele CA8718335.
Genomic context (GRCh38, chr17:65,534,059, plus strand): 5'-TCCCCACAGAAAAAGTAAGTGACAACCAACTCACTGGCCTGGAGCGCGTGGACACCTGCC[A>C]GTTTCTTTGGCTCTTTGTGACTGAAAATAAGATGGAATGGAACAAGTTTAGCATTTTAAA-3'
Protein context (NP_004646.3, residues 743-763): APEDHKEPKK[Leu753Arg]AGVHALQASE